The following is an entry in ClinVar:

NM_005121.3(MED13):c.4292T>G (p.Val1431Gly)

Gene: MED13 (mediator complex subunit 13; minus strand). Cytogenetic location: 17q23.2.
Variant type: single nucleotide variant.
Coding change: c.4292T>G on transcript NM_005121.3 (MANE Select); coding-DNA position 4292, T replaced by G.
Protein change: p.Val1431Gly; replaces valine 1431 with glycine.
Molecular consequence: missense variant.
Genome position (GRCh38, 1-based): chr17:61,966,551, A>C on the plus strand (T>G on the coding strand, the complement: MED13 is on the minus strand). VCF-style: chr17-61966551-A-C. GRCh37 (hg19) VCF-style: chr17-60043912-A-C.
Other names: short protein forms V1431G.
Identifiers: ClinVar variation 1200781 (VCV001200781.3), dbSNP rs2080059996, ClinGen allele CA400497676.

ClinVar aggregate classification (germline): Uncertain significance (1 of 4 stars; one submission).

gnomAD v4.1: 1 of 1,613,980 alleles (0.000062%); highest among the groups gnomAD compares: African/African-American, 0.0013%; no homozygotes.

Submission:

GeneDx
Classification: Uncertain significance. Last evaluated: 2019-09-17. Review status: criteria provided, single submitter. Criteria: GeneDx Variant Classification Process June 2021. Collection method: clinical testing. Allele origin: germline. Affected: yes.
Comment: Not observed in large population cohorts (Lek et al., 2016); In silico analysis, which includes protein predictors and evolutionary conservation, supports a deleterious effect; Has not been previously published as pathogenic or benign to our knowledge